The following is an entry in ClinVar:

ClinVar aggregate classification (germline): Uncertain significance (1 of 4 stars; one submission).

Submission:

Labcorp Genetics (formerly Invitae), Labcorp
Classification: Uncertain significance. Last evaluated: 2020-07-01. Review status: criteria provided, single submitter. Criteria: Invitae Variant Classification Sherloc (09022015). Collection method: clinical testing. Allele origin: germline.
Comment: In summary, the available evidence is currently insufficient to determine the role of this variant in disease. Therefore, it has been classified as a Variant of Uncertain Significance. Algorithms developed to predict the effect of missense changes on protein structure and function are either unavailable or do not agree on the potential impact of this missense change (SIFT: "Not Available"; PolyPhen-2: "Benign"; Align-GVGD: "Not Available"). This variant has not been reported in the literature in individuals with IDH3B-related conditions. This variant is not present in population databases (ExAC no frequency). This sequence change replaces glutamic acid with lysine at codon 238 of the IDH3B protein (p.Glu238Lys). The glutamic acid residue is moderately conserved and there is a small physicochemical difference between glutamic acid and lysine.

NM_006899.5(IDH3B):c.712G>A (p.Glu238Lys)

Gene: IDH3B (isocitrate dehydrogenase (NAD(+)) 3 non-catalytic subunit beta; minus strand). Cytogenetic location: 20p13.
Variant type: single nucleotide variant.
Coding change: c.712G>A on transcript NM_006899.5 (MANE Select); coding-DNA position 712, G replaced by A.
Protein change: p.Glu238Lys; replaces glutamic acid 238 with lysine.
Molecular consequence: missense variant. On other transcripts: non-coding transcript variant (1).
Genome position (GRCh38, 1-based): chr20:2,660,319, C>T on the plus strand (G>A on the coding strand, the complement: IDH3B is on the minus strand). VCF-style: chr20-2660319-C-T. GRCh37 (hg19) VCF-style: chr20-2640965-C-T.
Other names: c.712G>A, p.Glu238Lys (NM_001258384.3, NM_001330763.2, NM_174855.4); short protein forms E238K.
Identifiers: ClinVar variation 1002161 (VCV001002161.7), dbSNP rs2086918949, ClinGen allele CA408036445.